The following is an entry in ClinVar:

ClinVar aggregate classification (germline): Uncertain significance. Review status: criteria provided, multiple submitters, no conflicts (2 of 4 stars). 5 submissions from 5 submitters: Uncertain significance (5). Last evaluated 2022-08-16.

Conditions:
Dilated cardiomyopathy 1G (CMD1G). Identifiers: Orphanet 154, MedGen C1858763, MONDO:0011400, OMIM 604145.
Autosomal recessive limb-girdle muscular dystrophy type 2J (LGMDR10). Also called: Limb-girdle muscular dystrophy, type 2J; MUSCULAR DYSTROPHY, LIMB-GIRDLE, AUTOSOMAL RECESSIVE 10. Identifiers: Orphanet 140922, MedGen C1837342, MONDO:0012127, OMIM 608807.
Tibial muscular dystrophy (TMD). Also called: UDD MYOPATHY; Udd Distal Myopathy – Tibial Muscular Dystrophy; Tibial muscular dystrophy, tardive. Identifiers: Orphanet 609, MedGen C1838244, MONDO:0010870, OMIM 600334.
Early-onset myopathy with fatal cardiomyopathy (CMYO5). Also called: Salih Myopathy; CONGENITAL MYOPATHY 5 WITH CARDIOMYOPATHY. Identifiers: Orphanet 289377, MedGen C2673677, MONDO:0012714, OMIM 611705. Disease mechanism: loss of function.
Hypertrophic cardiomyopathy 9. Also called: Familial hypertrophic cardiomyopathy 9. Identifiers: MedGen C1861065, MONDO:0013412, OMIM 613765.
Myopathy, myofibrillar, 9, with early respiratory failure (MFM9). Also called: Hereditary myopathy with early respiratory failure; EDSTROM MYOPATHY; MYOPATHY, PROXIMAL, WITH EARLY RESPIRATORY MUSCLE INVOLVEMENT; Myopathy, distal, with early respiratory failure, autosomal dominant. Identifiers: Orphanet 178464, Orphanet 34521, MedGen C1863599, MONDO:0011362, OMIM 603689.
Cardiovascular phenotype. Identifiers: MedGen CN230736.

Allele frequency attached by ClinVar (database versions not stated): gnomAD exomes 0.00001; ExAC 0.00003.
gnomAD v4.1: 35 of 1,606,708 alleles (0.0022%); highest among the groups gnomAD compares: Non-Finnish European, 0.003%; no homozygotes.

Submissions (5):

Mayo Clinic Laboratories, Mayo Clinic
Classification: Uncertain significance. Last evaluated: 2022-08-16. Review status: criteria provided, single submitter. Criteria: ACMG Guidelines, 2015. Collection method: clinical testing. Allele origin: germline. Observed: 1 variant allele.

Fulgent Genetics
Classification: Uncertain significance for Tibial muscular dystrophy; Myopathy, myofibrillar, 9, with early respiratory failure; Dilated cardiomyopathy 1G; Autosomal recessive limb-girdle muscular dystrophy type 2J; Early-onset myopathy with fatal cardiomyopathy; Hypertrophic cardiomyopathy 9. Last evaluated: 2021-09-03. Review status: criteria provided, single submitter. Criteria: ACMG Guidelines, 2015. Collection method: clinical testing. Allele origin: unknown.

GeneDx
Classification: Uncertain significance. Last evaluated: 2021-07-30. Review status: criteria provided, single submitter. Criteria: GeneDx Variant Classification Process June 2021. Collection method: clinical testing. Allele origin: germline. Affected: yes.

Labcorp Genetics (formerly Invitae), Labcorp
Classification: Uncertain significance for Dilated cardiomyopathy 1G; Autosomal recessive limb-girdle muscular dystrophy type 2J. Last evaluated: 2017-11-06. Review status: criteria provided, single submitter. Criteria: Invitae Variant Classification Sherloc (09022015). Collection method: clinical testing. Allele origin: germline.

Ambry Genetics
Classification: Uncertain significance for Cardiovascular phenotype. Last evaluated: 2013-03-06. Review status: criteria provided, single submitter. Criteria: Ambry Autosomal Dominant and X-Linked criteria (10/2015). Collection method: clinical testing. Allele origin: germline. Observed: 1 variant allele.
Comment: There is insufficient or conflicting evidence for classification of this alteration.

NM_001267550.2(TTN):c.60944G>A (p.Gly20315Asp)

Genes: TTN (titin; minus strand), TTN-AS1 (TTN antisense RNA 1; plus strand). Cytogenetic location: 2q31.2.
Variant type: single nucleotide variant.
Coding change: c.60944G>A on transcript NM_001267550.2 (MANE Select); coding-DNA position 60944, G replaced by A.
Protein change: p.Gly20315Asp; replaces glycine 20315 with aspartic acid.
Molecular consequence: missense variant.
Genome position (GRCh38, 1-based): chr2:178,590,781, C>T on the plus strand (G>A on the coding strand, the complement: TTN is on the minus strand). VCF-style: chr2-178590781-C-T. GRCh37 (hg19) VCF-style: chr2-179455508-C-T.
Other names: p.Gly18674Asp; c.56021G>A, p.Gly18674Asp (NM_001256850.1); c.33749G>A, p.Gly11250Asp (NM_003319.4); c.53240G>A, p.Gly17747Asp (NM_133378.4); c.34124G>A, p.Gly11375Asp (NM_133432.3); c.34325G>A, p.Gly11442Asp (NM_133437.4); short protein forms G17747D, G20315D, G11250D, G18674D, G11442D, G11375D.
Identifiers: ClinVar variation 263530 (VCV000263530.10), dbSNP rs765839032, ClinGen allele CA1992424.